The following is an entry in ClinVar:

ClinVar aggregate classification (germline): Uncertain significance (1 of 4 stars; one submission).

Submission:

GeneDx
Classification: Uncertain significance. Last evaluated: 2023-12-27. Review status: criteria provided, single submitter. Criteria: GeneDx Variant Classification Process June 2021. Collection method: clinical testing. Allele origin: germline. Affected: yes.
Comment: Not observed at significant frequency in large population cohorts (gnomAD); In silico analysis supports that this missense variant does not alter protein structure/function, but splice predictors suggest that this variant may impact gene splicing. In the absence of RNA/functional studies, the actual effect of this sequence change is unknown.; Has not been previously published as pathogenic or benign to our knowledge

NM_001374828.1(ARID1B):c.784C>G (p.Leu262Val)

Genes: ARID1B (AT-rich interaction domain 1B; plus strand), LOC115308161 (uncharacterized LOC115308161; minus strand), LOC129997525 (ATAC-STARR-seq lymphoblastoid silent region 17712; plus strand). Cytogenetic location: 6q25.3.
Variant type: single nucleotide variant.
Coding change: c.784C>G on transcript NM_001374828.1 (MANE Select); coding-DNA position 784, C replaced by G.
Protein change: p.Leu262Val; replaces leucine 262 with valine.
Molecular consequence: missense variant. On other transcripts: non-coding transcript variant (1).
Genome position (GRCh38, 1-based): chr6:156,778,464, C>G. VCF-style: chr6-156778464-C-G. GRCh37 (hg19) VCF-style: chr6-157099598-C-G.
Other names: c.784C>G, p.Leu262Val (NM_001371656.1, NM_001374820.1, NM_017519.3); c.535C>G (NM_020732.3); short protein forms L262V.
Identifiers: ClinVar variation 3367239 (VCV003367239.1).